The following is an entry in ClinVar:

ClinVar aggregate classification (germline): Uncertain significance. Review status: criteria provided, multiple submitters, no conflicts (2 of 4 stars). 2 submissions from 2 submitters: Uncertain significance (2). Last evaluated 2026-09-24.

Conditions:
PKD2-related disorder. Also called: PKD2-related condition.
Autosomal dominant polycystic kidney disease. Identifiers: Orphanet 730, MedGen C0085413, MONDO:0004691.

Allele frequency attached by ClinVar (database versions not stated): gnomAD exomes below 0.00001 and 0.00002.
gnomAD v4.1: 4 of 1,511,794 alleles (0.00026%); highest among the groups gnomAD compares: Non-Finnish European, 0.00035%; no homozygotes.

Submissions (2):

PreventionGenetics, part of Exact Sciences
Classification: Uncertain significance for PKD2-related condition. Last evaluated: 2026-09-24. Review status: criteria provided, single submitter. Criteria: ACMG Guidelines, 2015. Collection method: clinical testing. Allele origin: germline.
Comment: The PKD2 c.566G>C variant is predicted to result in the amino acid substitution p.Trp189Ser. To our knowledge, this variant has not been reported in the literature. This variant is reported in 0.0049% of alleles in individuals of European (Non-Finnish) descent in gnomAD. At this time, the clinical significance of this variant is uncertain due to the absence of conclusive functional and genetic evidence.

Labcorp Genetics (formerly Invitae), Labcorp
Classification: Uncertain significance for Autosomal dominant polycystic kidney disease. Last evaluated: 2021-08-05. Review status: criteria provided, single submitter. Criteria: Invitae Variant Classification Sherloc (09022015). Collection method: clinical testing. Allele origin: germline.
Comment: This sequence change replaces tryptophan with serine at codon 189 of the PKD2 protein (p.Trp189Ser). The tryptophan residue is moderately conserved and there is a large physicochemical difference between tryptophan and serine. In summary, the available evidence is currently insufficient to determine the role of this variant in disease. Therefore, it has been classified as a Variant of Uncertain Significance. Algorithms developed to predict the effect of missense changes on protein structure and function (SIFT, PolyPhen-2, Align-GVGD) all suggest that this variant is likely to be tolerated. This variant has not been reported in the literature in individuals affected with PKD2-related conditions. The frequency data for this variant in the population databases is considered unreliable, as metrics indicate insufficient coverage at this position in the ExAC database.

NM_000297.4(PKD2):c.566G>C (p.Trp189Ser)

Genes: PKD2 (polycystin 2, transient receptor potential cation channel; plus strand), LOC129992813 (ATAC-STARR-seq lymphoblastoid silent region 15559; plus strand). Cytogenetic location: 4q22.1.
Variant type: single nucleotide variant.
Coding change: c.566G>C on transcript NM_000297.4 (MANE Select); coding-DNA position 566, G replaced by C.
Protein change: p.Trp189Ser; replaces tryptophan 189 with serine.
Molecular consequence: missense variant. On other transcripts: non-coding transcript variant (1).
Genome position (GRCh38, 1-based): chr4:88,008,299, G>C. VCF-style: chr4-88008299-G-C. GRCh37 (hg19) VCF-style: chr4-88929451-G-C.
Other names: c.566G>C (NM_000297.3); short protein forms W189S.
Identifiers: ClinVar variation 1476649 (VCV001476649.9), dbSNP rs1403371346, ClinGen allele CA357627158.